The following is an entry in ClinVar:

ClinVar aggregate classification (germline): Uncertain significance (1 of 4 stars; one submission).

Allele frequency attached by ClinVar (database versions not stated): gnomAD exomes 0.00002 and 0.00007; gnomAD 0.00004 and 0.00005; ExAC 0.00006; TOPMed 0.00006; 1000 Genomes Project 30x 0.00031; 1000 Genomes Project 0.00040.
gnomAD v4.1: 44 of 1,607,126 alleles (0.0027%); highest among the groups gnomAD compares: East Asian, 0.038%; no homozygotes.

Submission:

Labcorp Genetics (formerly Invitae), Labcorp
Classification: Uncertain significance. Last evaluated: 2022-08-22. Review status: criteria provided, single submitter. Criteria: Invitae Variant Classification Sherloc (09022015). Collection method: clinical testing. Allele origin: germline.
Comment: This sequence change replaces proline, which is neutral and non-polar, with leucine, which is neutral and non-polar, at codon 779 of the LAMC3 protein (p.Pro779Leu). This variant is present in population databases (rs200363594, gnomAD 0.06%). This variant has not been reported in the literature in individuals affected with LAMC3-related conditions. ClinVar contains an entry for this variant (Variation ID: 1392296). Algorithms developed to predict the effect of missense changes on protein structure and function output the following: SIFT: "Tolerated"; PolyPhen-2: "Benign"; Align-GVGD: "Class C0". The leucine amino acid residue is found in multiple mammalian species, which suggests that this missense change does not adversely affect protein function. In summary, the available evidence is currently insufficient to determine the role of this variant in disease. Therefore, it has been classified as a Variant of Uncertain Significance.

NM_006059.4(LAMC3):c.2336C>T (p.Pro779Leu)

Gene: LAMC3 (laminin subunit gamma 3; plus strand). Cytogenetic location: 9q34.12.
Variant type: single nucleotide variant.
Coding change: c.2336C>T on transcript NM_006059.4 (MANE Select); coding-DNA position 2336, C replaced by T.
Protein change: p.Pro779Leu; replaces proline 779 with leucine.
Molecular consequence: missense variant.
Genome position (GRCh38, 1-based): chr9:131,061,212, C>T. VCF-style: chr9-131061212-C-T. GRCh37 (hg19) VCF-style: chr9-133936599-C-T.
Other names: short protein forms P779L.
Identifiers: ClinVar variation 1392296 (VCV001392296.3), dbSNP rs200363594, ClinGen allele CA5287389.